The following is an entry in ClinVar:

ClinVar aggregate classification (germline): Uncertain significance (1 of 4 stars; one submission).

gnomAD v4.1: 14 of 1,613,938 alleles (0.00087%); highest among the groups gnomAD compares: Non-Finnish European, 0.0012%; no homozygotes.

Submission:

GeneDx
Classification: Uncertain significance. Last evaluated: 2024-12-12. Review status: criteria provided, single submitter. Criteria: GeneDx Variant Classification Process June 2021. Collection method: clinical testing. Allele origin: germline. Affected: yes.
Comment: Not observed at significant frequency in large population cohorts (gnomAD); In silico analysis indicates that this missense variant does not alter protein structure/function; Has not been previously published as pathogenic or benign to our knowledge; Reported using an alternate transcript of the gene

NM_001077197.2(PDE11A):c.151A>G (p.Thr51Ala)

Gene: PDE11A (phosphodiesterase 11A; minus strand). Cytogenetic location: 2q31.2.
Variant type: single nucleotide variant.
Coding change: c.151A>G on transcript NM_001077197.2; coding-DNA position 151, A replaced by G.
Protein change: p.Thr51Ala; replaces threonine 51 with alanine.
Molecular consequence: missense variant.
Genome position (GRCh38, 1-based): chr2:178,104,313, T>C on the plus strand (A>G on the coding strand, the complement: PDE11A is on the minus strand). VCF-style: chr2-178104313-T-C. GRCh37 (hg19) VCF-style: chr2-178969040-T-C.
Other names: short protein forms T51A.
Identifiers: ClinVar variation 3903070 (VCV003903070.1).
Genomic context (GRCh38, chr2:178,104,313, plus strand): 5'-TTCTTTCCTACAGTGTATCTGGTTCTCTCCCACAACTGCTAGTTTTTACCTTTGTTTTTG[T>C]TTGCCTCTGTATAAGAAAATCCTGGTGCTTTTCCTGTTTTTCAGCCAAAGAGGCCCCAGA-3'